The following is an entry in ClinVar:

ClinVar aggregate classification (germline): Likely benign (1 of 4 stars; one submission).

Submission:

CeGaT Center for Human Genetics Tuebingen
Classification: Likely benign. Last evaluated: 2026-06-01. Review status: criteria provided, single submitter. Criteria: CeGaT Center For Human Genetics Tuebingen Variant Classification Criteria Version 2. Collection method: clinical testing. Allele origin: germline. Affected: yes. Observed: 2 variant alleles.
Comment: CEL: BP4, BP7

NM_001807.6(CEL):c.1815G>C (p.Pro605=)

Gene: CEL (carboxyl ester lipase; plus strand). Cytogenetic location: 9q34.13.
Variant type: single nucleotide variant.
Coding change: c.1815G>C on transcript NM_001807.6 (MANE Select); coding-DNA position 1815, G replaced by C.
Protein change: p.Pro605=; no amino-acid change (proline 605 retained).
Molecular consequence: synonymous variant.
Genome position (GRCh38, 1-based): chr9:133,071,317, G>C. VCF-style: chr9-133071317-G-C. GRCh37 (hg19) VCF-style: chr9-135946704-G-C.
Identifiers: ClinVar variation 3341693 (VCV003341693.16).